The following is an entry in ClinVar:

ClinVar aggregate classification (germline): Uncertain significance. Review status: criteria provided, multiple submitters, no conflicts (2 of 4 stars). 2 submissions from 2 submitters: Uncertain significance (2). Last evaluated 2026-01-11.

Conditions:
Hyperkalemic periodic paralysis. Also called: Familial hyperkalemic periodic paralysis; Gamstorp disease. Identifiers: Orphanet 682, MedGen C0238357, MONDO:0008224, OMIM 170500, HP:0007215.

Allele frequency attached by ClinVar (database versions not stated): TOPMed below 0.00001; gnomAD 0.00001; gnomAD exomes 0.00001.
gnomAD v4.1: 14 of 1,613,676 alleles (0.00087%); highest among the groups gnomAD compares: South Asian, 0.0033%; no homozygotes.

Submissions (2):

Labcorp Genetics (formerly Invitae), Labcorp
Classification: Uncertain significance for Hyperkalemic periodic paralysis. Last evaluated: 2026-01-11. Review status: criteria provided, single submitter. Criteria: Invitae Variant Classification Sherloc (09022015). Collection method: clinical testing. Allele origin: germline.
Comment: This sequence change replaces arginine, which is basic and polar, with glutamine, which is neutral and polar, at codon 1257 of the SCN4A protein (p.Arg1257Gln). This variant is present in population databases (no rsID available, gnomAD 0.004%). This missense change has been observed in individual(s) with arthrogryposis multiplex congenita (PMID: 33820833). ClinVar contains an entry for this variant (Variation ID: 2196951). Invitae Evidence Modeling of protein sequence and biophysical properties (such as structural, functional, and spatial information, amino acid conservation, physicochemical variation, residue mobility, and thermodynamic stability) has been performed for this missense variant. However, the output from this modeling did not meet the statistical confidence thresholds required to predict the impact of this variant on SCN4A protein function. In summary, the available evidence is currently insufficient to determine the role of this variant in disease. Therefore, it has been classified as a Variant of Uncertain Significance.

Revvity Omics, Revvity
Classification: Uncertain significance. Last evaluated: 2020-12-30. Review status: criteria provided, single submitter. Criteria: ACMG Guidelines, 2015. Collection method: clinical testing. Allele origin: germline.

Literature cited by the submitters: PubMed 33820833 (cited by Labcorp Genetics (formerly Invitae), Labcorp).

NM_000334.4(SCN4A):c.3770G>A (p.Arg1257Gln)

Genes: GH-LCR (growth hormone locus control region; plus strand), SCN4A (sodium voltage-gated channel alpha subunit 4; minus strand). Cytogenetic location: 17q23.3.
Variant type: single nucleotide variant.
Coding change: c.3770G>A on transcript NM_000334.4 (MANE Select); coding-DNA position 3770, G replaced by A.
Protein change: p.Arg1257Gln; replaces arginine 1257 with glutamine.
Molecular consequence: missense variant.
Genome position (GRCh38, 1-based): chr17:63,945,011, C>T on the plus strand (G>A on the coding strand, the complement: SCN4A is on the minus strand). VCF-style: chr17-63945011-C-T. GRCh37 (hg19) VCF-style: chr17-62022371-C-T.
Other names: short protein forms R1257Q.
Identifiers: ClinVar variation 2196951 (VCV002196951.7), dbSNP rs1215570894, ClinGen allele CA400617546.
Genomic context (GRCh38, chr17:63,945,011, plus strand): 5'-CTTGAGTCCTCTTCCCTGGCTCGCTCACCAGCCACATCTCAGCGACCCCGACTCACCTCC[C>T]GGGAGTCCACGGCTGCATACATGATGTCCATCCAACCCTTGAAGGTGGCCTGAGAGAGTG-3'
Protein context (NP_000325.4, residues 1247-1267): MDIMYAAVDS[Arg1257Gln]EKEEQPQYEV